The following is an entry in ClinVar:

ClinVar aggregate classification (germline): Likely pathogenic (1 of 4 stars; one submission).

Submission:

Labcorp Genetics (formerly Invitae), Labcorp
Classification: Likely pathogenic. Last evaluated: 2022-06-27. Review status: criteria provided, single submitter. Criteria: Invitae Variant Classification Sherloc (09022015). Collection method: clinical testing. Allele origin: germline.
Comment: In summary, the currently available evidence indicates that the variant is pathogenic, but additional data are needed to prove that conclusively. Therefore, this variant has been classified as Likely Pathogenic. Algorithms developed to predict the effect of sequence changes on RNA splicing suggest that this variant may disrupt the consensus splice site. This variant has not been reported in the literature in individuals affected with POLE-related conditions. This variant is not present in population databases (gnomAD no frequency). This sequence change affects a donor splice site in intron 41 of the POLE gene. It is expected to disrupt RNA splicing. Variants that disrupt the donor or acceptor splice site typically lead to a loss of protein function (PMID: 16199547), and loss-of-function variants in POLE are known to be pathogenic (PMID: 23230001, 25948378, 30503519).

Literature cited by the submitters: PubMed 16199547; PubMed 23230001; PubMed 25948378; PubMed 30503519.

NM_006231.4(POLE):c.5678+2T>C

Gene: POLE (DNA polymerase epsilon, catalytic subunit; minus strand). Cytogenetic location: 12q24.33.
Variant type: single nucleotide variant.
Coding change: c.5678+2T>C on transcript NM_006231.4 (MANE Select); the canonical splice donor site of the intron after coding-DNA position 5678, T replaced by C.
Molecular consequence: splice donor variant.
Genome position (GRCh38, 1-based): chr12:132,638,012, A>G on the plus strand (T>C on the coding strand, the complement: POLE is on the minus strand). VCF-style: chr12-132638012-A-G. GRCh37 (hg19) VCF-style: chr12-133214598-A-G.
Identifiers: ClinVar variation 2099340 (VCV002099340.4), dbSNP rs2138499783, ClinGen allele CA387373871.